The following is an entry in ClinVar:

NM_015158.5(KANK1):c.1988T>C (p.Met663Thr)

Gene: KANK1 (KN motif and ankyrin repeat domains 1; plus strand). Cytogenetic location: 9p24.3.
Variant type: single nucleotide variant.
Coding change: c.1988T>C on transcript NM_015158.5 (MANE Select); coding-DNA position 1988, T replaced by C.
Protein change: p.Met663Thr; replaces methionine 663 with threonine.
Molecular consequence: missense variant. On other transcripts: non-coding transcript variant (1).
Genome position (GRCh38, 1-based): chr9:712,754, T>C. VCF-style: chr9-712754-T-C. GRCh37 (hg19) VCF-style: chr9-712754-T-C.
Other names: c.1988T>C, p.Met663Thr (NM_001256876.3, NM_001256877.3, NM_001354331.2 and 2 more transcripts); c.1514T>C, p.Met505Thr (NM_001354333.2, NM_001354335.2, NM_001354336.2 and 9 more transcripts); short protein forms M505T, M663T.
Identifiers: ClinVar variation 732416 (VCV000732416.18), dbSNP rs111273694, ClinGen allele CA4960387.

ClinVar aggregate classification (germline): Likely benign. Review status: criteria provided, multiple submitters, no conflicts (2 of 4 stars). 4 submissions from 4 submitters: Likely benign (3). 1 of the submissions does not count toward it. Last evaluated 2026-07-01.

Conditions:
KANK1-related disorder. Also called: KANK1-related condition.

Allele frequency attached by ClinVar (database versions not stated): ESP Exome Variant Server 0.00015; gnomAD 0.00036 and 0.00053; TOPMed 0.00048; gnomAD exomes 0.00060 and 0.00094; ExAC 0.00097; 1000 Genomes Project 30x 0.00203; 1000 Genomes Project 0.00240.
gnomAD v4.1: 969 of 1,613,930 alleles (0.06%); highest among the groups gnomAD compares: Middle Eastern, 0.49%; 4 homozygotes.

Submissions (4):

CeGaT Center for Human Genetics Tuebingen
Classification: Likely benign. Last evaluated: 2026-07-01. Review status: criteria provided, single submitter. Criteria: CeGaT Center For Human Genetics Tuebingen Variant Classification Criteria Version 2. Collection method: clinical testing. Allele origin: germline. Affected: yes. Observed: 3 variant alleles.
Comment: KANK1: BP4

Labcorp Genetics (formerly Invitae), Labcorp
Classification: Likely benign. Last evaluated: 2025-10-31. Review status: criteria provided, single submitter. Criteria: Invitae Variant Classification Sherloc (09022015). Collection method: clinical testing. Allele origin: germline.

Breakthrough Genomics
Classification: Likely benign. Review status: criteria provided, single submitter. Criteria: ACMG Guidelines, 2015. Collection method: not provided. Allele origin: germline. Inheritance: Unknown mechanism. Affected: yes.

PreventionGenetics, part of Exact Sciences
Classification: Likely benign for KANK1-related condition. Last evaluated: 2021-03-08. Review status: no assertion criteria provided. Collection method: clinical testing. Allele origin: germline. Not counted in ClinVar's aggregate classification.
Comment: This variant is classified as likely benign based on ACMG/AMP sequence variant interpretation guidelines (Richards et al. 2015 PMID: 25741868, with internal and published modifications).